The following is an entry in ClinVar:

NM_005188.4(CBL):c.21G>C (p.Lys7Asn)

Genes: CBL (Cbl proto-oncogene; plus strand), LOC130006895 (ATAC-STARR-seq lymphoblastoid silent region 3975; plus strand). Cytogenetic location: 11q23.3.
Variant type: single nucleotide variant.
Coding change: c.21G>C on transcript NM_005188.4 (MANE Select); coding-DNA position 21, G replaced by C.
Protein change: p.Lys7Asn; replaces lysine 7 with asparagine.
Molecular consequence: missense variant.
Genome position (GRCh38, 1-based): chr11:119,206,438, G>C. VCF-style: chr11-119206438-G-C. GRCh37 (hg19) VCF-style: chr11-119077148-G-C.
Other names: short protein forms K7N.
Identifiers: ClinVar variation 4613824 (VCV004613824.1).

ClinVar aggregate classification (germline): Uncertain significance (1 of 4 stars; one submission).

Conditions:
Cardiovascular phenotype. Identifiers: MedGen CN230736.

Submission:

Ambry Genetics
Classification: Uncertain significance for Cardiovascular phenotype. Last evaluated: 2025-09-28. Review status: criteria provided, single submitter. Criteria: Ambry Variant Classification Scheme 2023. Collection method: clinical testing. Allele origin: germline.
Comment: The p.K7N variant (also known as c.21G>C), located in coding exon 1 of the CBL gene, results from a G to C substitution at nucleotide position 21. The lysine at codon 7 is replaced by asparagine, an amino acid with similar properties. This amino acid position is conserved. In addition, this alteration is predicted to be tolerated by in silico analysis. Based on the available evidence, the clinical significance of this variant remains unclear.